The following is an entry in ClinVar:

ClinVar aggregate classification (germline): Uncertain significance. Review status: criteria provided, multiple submitters, no conflicts (2 of 4 stars). 2 submissions from 2 submitters: Uncertain significance (2). Last evaluated 2024-09-26.

Allele frequency attached by ClinVar (database versions not stated): ExAC 0.00001; gnomAD 0.00001.
gnomAD v4.1: 13 of 1,614,048 alleles (0.00081%); highest among the groups gnomAD compares: South Asian, 0.0099%; no homozygotes.

Submissions (2):

Ambry Genetics
Classification: Uncertain significance. Last evaluated: 2024-09-26. Review status: criteria provided, single submitter. Criteria: Ambry Variant Classification Scheme 2023. Collection method: clinical testing. Allele origin: germline.

Labcorp Genetics (formerly Invitae), Labcorp
Classification: Uncertain significance. Last evaluated: 2021-12-27. Review status: criteria provided, single submitter. Criteria: Invitae Variant Classification Sherloc (09022015). Collection method: clinical testing. Allele origin: germline.
Comment: This sequence change replaces arginine, which is basic and polar, with glutamine, which is neutral and polar, at codon 250 of the KIF20A protein (p.Arg250Gln). In summary, the available evidence is currently insufficient to determine the role of this variant in disease. Therefore, it has been classified as a Variant of Uncertain Significance. Algorithms developed to predict the effect of missense changes on protein structure and function output the following: SIFT: "Deleterious"; PolyPhen-2: "Benign"; Align-GVGD: "Class C35". The glutamine amino acid residue is found in multiple mammalian species, which suggests that this missense change does not adversely affect protein function. This variant has not been reported in the literature in individuals affected with KIF20A-related conditions. This variant is present in population databases (rs760546603, gnomAD 0.01%).

NM_005733.3(KIF20A):c.749G>A (p.Arg250Gln)

Gene: KIF20A (kinesin family member 20A; plus strand). Cytogenetic location: 5q31.2.
Variant type: single nucleotide variant.
Coding change: c.749G>A on transcript NM_005733.3 (MANE Select); coding-DNA position 749, G replaced by A.
Protein change: p.Arg250Gln; replaces arginine 250 with glutamine.
Molecular consequence: missense variant.
Genome position (GRCh38, 1-based): chr5:138,182,907, G>A. VCF-style: chr5-138182907-G-A. GRCh37 (hg19) VCF-style: chr5-137518596-G-A.
Other names: c.749G>A (NM_005733.2); short protein forms R250Q.
Identifiers: ClinVar variation 2144876 (VCV002144876.5), dbSNP rs760546603, ClinGen allele CA3426392.
Genomic context (GRCh38, chr5:138,182,907, plus strand): 5'-CTGTGCCCCTCCAGGAGGAGCTGTCCACTTCCTTGAAGAGGAGTGTCTACATCGAAAGTC[G>A]GATAGGTACCAGCACCAGCTTCGACAGTGGCATTGCTGGGCTCTCTTCTATCAGTCAGTG-3'
Protein context (NP_005724.1, residues 240-260): SLKRSVYIES[Arg250Gln]IGTSTSFDSG